The following is an entry in ClinVar:

NM_001369.3(DNAH5):c.9106-3_9106-1del

Gene: DNAH5 (dynein axonemal heavy chain 5; minus strand). Cytogenetic location: 5p15.2.
Variant type: Deletion.
Coding change: c.9106-3_9106-1del on transcript NM_001369.3 (MANE Select); 3 bases into the intron before coding-DNA position 9106 through the canonical splice acceptor site of the intron before coding-DNA position 9106, 3 bases deleted (AAG; older notation c.9106-3_9106-1delAAG).
Molecular consequence: splice acceptor variant.
Genome position (GRCh38, 1-based): chr5:13,776,707-13,776,709, CTT deleted on the plus strand (AAG on the coding strand, the reverse complement: DNAH5 is on the minus strand). VCF-style (leftmost placement, unchanged base first): chr5-13776706-CCTT-C. GRCh37 (hg19) VCF-style: chr5-13776815-CCTT-C.
Identifiers: ClinVar variation 4066685 (VCV004066685.2).
Genomic context (GRCh38, chr5:13,776,706, plus strand): 5'-TGACTGATGCCAGGTCGCTATTAATTTCATCAATTTCATCTCGAGCAAATAGGTTAGAGA[CCTT>C]AAAAAGAAGTACAGGCATGCAAATTCAGTACACACATAGGAAAATAGATCAAAATGTAGA-3'

ClinVar aggregate classification (germline): Pathogenic (1 of 4 stars; one submission).

Conditions:
Primary ciliary dyskinesia. Also called: Ciliary dyskinesia. Identifiers: Orphanet 244, MedGen C0008780, MONDO:0016575, HP:0012265.

Submission:

Natera, Inc.
Classification: Pathogenic for Primary ciliary dyskinesia. Last evaluated: 2025-04-09. Review status: criteria provided, single submitter. Criteria: Natera Variant Classification Schema (03/2026). Collection method: clinical testing. Allele origin: germline.
Comment: The c.9106-3_9106-1del variant in DNAH5 is a deletion affecting a canonical splice acceptor site. This variant is expected to result in nonsense mediated decay, truncation, or a dysfunctional protein product. This variant is rare in the general population with a frequency below the threshold expected for the associated phenotype(s). Another variant at this same site results in an alteration predicted to cause a similar molecular effect has been observed in individual(s) with the associated phenotype. Given the available evidence, this variant is classified as Pathogenic.